The following is an entry in ClinVar:

ClinVar aggregate classification (germline): Uncertain significance (1 of 4 stars; one submission).

Conditions:
Spermatogenic failure 18. Identifiers: MedGen C4539783, MONDO:0054615, OMIM 617576.
Ciliary dyskinesia, primary, 37 (CILD37). Also called: CILIARY DYSKINESIA, PRIMARY, 37, WITH OR WITHOUT SITUS INVERSUS. Identifiers: MedGen C4539798, MONDO:0033204, OMIM 617577.

Submission:

Labcorp Genetics (formerly Invitae), Labcorp
Classification: Uncertain significance for Ciliary dyskinesia, primary, 37; Spermatogenic failure 18. Last evaluated: 2024-10-29. Review status: criteria provided, single submitter. Criteria: Invitae Variant Classification Sherloc (09022015). Collection method: clinical testing. Allele origin: germline.
Comment: This sequence change replaces proline, which is neutral and non-polar, with serine, which is neutral and polar, at codon 2187 of the DNAH1 protein (p.Pro2187Ser). Information on the frequency of this variant in the gnomAD database is not available, as this variant may be reported differently in the database. This variant has not been reported in the literature in individuals affected with DNAH1-related conditions. Experimental studies and prediction algorithms are not available or were not evaluated, and the functional significance of this variant is currently unknown. In summary, the available evidence is currently insufficient to determine the role of this variant in disease. Therefore, it has been classified as a Variant of Uncertain Significance.

NM_015512.5(DNAH1):c.6558_6559delinsCT (p.Pro2187Ser)

Gene: DNAH1 (dynein axonemal heavy chain 1; plus strand). Cytogenetic location: 3p21.1.
Variant type: Indel.
Coding change: c.6558_6559delinsCT on transcript NM_015512.5 (MANE Select); coding-DNA positions 6558 to 6559, TC replaced by CT.
Protein change: p.Pro2187Ser; replaces proline 2187 with serine.
Molecular consequence: missense variant.
Genome position (GRCh38, 1-based): chr3:52,371,978-52,371,979, TC replaced by CT. VCF-style: chr3-52371978-TC-CT. GRCh37 (hg19) VCF-style: chr3-52405994-TC-CT.
Other names: short protein forms P2187S.
Identifiers: ClinVar variation 662871 (VCV000662871.6), dbSNP rs1578161696, ClinGen allele CA915942526.
Genomic context (GRCh38, chr3:52,371,978, plus strand): 5'-CCCACTGCTGAGCCACCTATGATTCCAGGTTGCCTGGGTGAAGTGGATGGACTCCTCAGC[TC>CT]CATTCACCATGGTACCAGACACCAACTACTGCAACATCATTGTGCCCACCATGGACACCG-3'
Protein context (NP_056327.4, residues 2177-2197): AWVKWMDSSA[Pro2187Ser]FTMVPDTNYC